The following is an entry in ClinVar:

ClinVar aggregate classification (germline): Uncertain significance (1 of 4 stars; one submission).

Submission:

Labcorp Genetics (formerly Invitae), Labcorp
Classification: Uncertain significance. Last evaluated: 2024-10-30. Review status: criteria provided, single submitter. Criteria: Invitae Variant Classification Sherloc (09022015). Collection method: clinical testing. Allele origin: germline.
Comment: This sequence change replaces glutamic acid, which is acidic and polar, with lysine, which is basic and polar, at codon 583 of the TCF3 protein (p.Glu583Lys). This variant is present in population databases (no rsID available, gnomAD 0.0009%). This variant has not been reported in the literature in individuals affected with TCF3-related conditions. Invitae Evidence Modeling of protein sequence and biophysical properties (such as structural, functional, and spatial information, amino acid conservation, physicochemical variation, residue mobility, and thermodynamic stability) indicates that this missense variant is expected to disrupt TCF3 protein function with a positive predictive value of 80%. In summary, the available evidence is currently insufficient to determine the role of this variant in disease. Therefore, it has been classified as a Variant of Uncertain Significance.

NM_003200.5(TCF3):c.1747G>A (p.Glu583Lys)

Gene: TCF3 (transcription factor 3; minus strand). Cytogenetic location: 19p13.3.
Variant type: single nucleotide variant.
Coding change: c.1747G>A on transcript NM_003200.5 (MANE Select); coding-DNA position 1747, G replaced by A.
Protein change: p.Glu583Lys; replaces glutamic acid 583 with lysine.
Molecular consequence: missense variant. On other transcripts: intron variant (2).
Genome position (GRCh38, 1-based): chr19:1,615,360, C>T on the plus strand (G>A on the coding strand, the complement: TCF3 is on the minus strand). VCF-style: chr19-1615360-C-T. GRCh37 (hg19) VCF-style: chr19-1615359-C-T.
Other names: c.1744G>A, p.Glu582Lys (NM_001351778.2); c.1586+326G>A (NM_001136139.4, NM_001351779.2); short protein forms E583K, E582K.
Identifiers: ClinVar variation 3700775 (VCV003700775.2).